The following is an entry in ClinVar:

ClinVar aggregate classification (germline): Likely pathogenic (1 of 4 stars; one submission).

Conditions:
Polymicrogyria, perisylvian, with cerebellar hypoplasia and arthrogryposis (NEDSPLB). Identifiers: MedGen C4225295, MONDO:0014679, OMIM 616531.

gnomAD v4.1: 3 of 1,614,050 alleles (0.00019%); highest among the groups gnomAD compares: Admixed American, 0.0033%; no homozygotes.

Submission:

OLLIN Analises Genomicas, OLLIN
Classification: Likely pathogenic for Polymicrogyria, perisylvian, with cerebellar hypoplasia and arthrogryposis. Last evaluated: 2026-08-06. Review status: criteria provided, single submitter. Criteria: ACMG Guidelines 2015 PMID 25741868. Collection method: clinical testing. Allele origin: germline. Inheritance: Autosomal recessive inheritance.
Comment: This nonsense variant, located in exon 32 (of 55), has been observed in gnomAD with an allele frequency of 0.00019%, but has not been reported in ClinVar or identified in the literature. This variant introduces a premature stop codon, which is predicted to result in either a truncated protein or degradation of the mRNA via nonsense-mediated decay (NMD). According to the currently available evidence, this variant has been classified as likely pathogenic (PVS1, PM2_P).

NM_058004.4(PI4KA):c.3707G>A (p.Trp1236Ter)

Gene: PI4KA (phosphatidylinositol 4-kinase alpha; minus strand). Cytogenetic location: 22q11.21.
Variant type: single nucleotide variant.
Coding change: c.3707G>A on transcript NM_058004.4 (MANE Select); coding-DNA position 3707, G replaced by A.
Protein change: p.Trp1236Ter; replaces tryptophan 1236 with a stop codon.
Molecular consequence: nonsense.
Genome position (GRCh38, 1-based): chr22:20,742,262, C>T on the plus strand (G>A on the coding strand, the complement: PI4KA is on the minus strand). VCF-style: chr22-20742262-C-T. GRCh37 (hg19) VCF-style: chr22-21096550-C-T.
Other names: c.3614G>A, p.Trp1205Ter (NM_001362862.2); c.3641G>A, p.Trp1214Ter (NM_001362863.2); short protein forms W1205*, W1214*, W1236*.
Identifiers: ClinVar variation 5002660 (VCV005002660.1).